The following is an entry in ClinVar:

NM_001267550.2(TTN):c.105536C>T (p.Thr35179Ile)

Genes: TTN (titin; minus strand), TTN-AS1 (TTN antisense RNA 1; plus strand), LOC129935184 (ATAC-STARR-seq lymphoblastoid active region 16809; plus strand). Cytogenetic location: 2q31.2.
Variant type: single nucleotide variant.
Coding change: c.105536C>T on transcript NM_001267550.2 (MANE Select); coding-DNA position 105536, C replaced by T.
Protein change: p.Thr35179Ile; replaces threonine 35179 with isoleucine.
Molecular consequence: missense variant.
Genome position (GRCh38, 1-based): chr2:178,531,079, G>A on the plus strand (C>T on the coding strand, the complement: TTN is on the minus strand). VCF-style: chr2-178531079-G-A. GRCh37 (hg19) VCF-style: chr2-179395806-G-A.
Other names: c.100613C>T, p.Thr33538Ile (NM_001256850.1); c.78341C>T, p.Thr26114Ile (NM_003319.4); c.97832C>T, p.Thr32611Ile (NM_133378.4); c.78716C>T, p.Thr26239Ile (NM_133432.3); c.78917C>T, p.Thr26306Ile (NM_133437.4); short protein forms T26114I, T26239I, T26306I, T32611I, T33538I, T35179I.
Identifiers: ClinVar variation 4792041 (VCV004792041.1).
Genomic context (GRCh38, chr2:178,531,079, plus strand): 5'-TAATTGCCCTCATCGGAAGCCTGGACTGAAGAGATCTCAAAGGTTGATTTGTACTTTGTG[G>A]TGGTCACTTGGTGGCGGGCAGAAGTACTTAGCACTTGTCCTTTACGCAGCCAGGTCACAG-3'
Protein context (NP_001254479.2, residues 35169-35189): LSTSARHQVT[Thr35179Ile]TKYKSTFEIS

ClinVar aggregate classification (germline): Uncertain significance (1 of 4 stars; one submission).

Conditions:
Autosomal recessive limb-girdle muscular dystrophy type 2J (LGMDR10). Also called: Limb-girdle muscular dystrophy, type 2J; MUSCULAR DYSTROPHY, LIMB-GIRDLE, AUTOSOMAL RECESSIVE 10. Identifiers: Orphanet 140922, MedGen C1837342, MONDO:0012127, OMIM 608807.
Dilated cardiomyopathy 1G (CMD1G). Identifiers: Orphanet 154, MedGen C1858763, MONDO:0011400, OMIM 604145.

Submission:

Labcorp Genetics (formerly Invitae), Labcorp
Classification: Uncertain significance for Dilated cardiomyopathy 1G; Autosomal recessive limb-girdle muscular dystrophy type 2J. Last evaluated: 2025-10-26. Review status: criteria provided, single submitter. Criteria: Invitae Variant Classification Sherloc (09022015). Collection method: clinical testing. Allele origin: germline.
Comment: This sequence change replaces threonine, which is neutral and polar, with isoleucine, which is neutral and non-polar, at codon 35179 of the TTN protein (p.Thr35179Ile). This variant is not present in population databases (gnomAD no frequency). This variant has not been reported in the literature in individuals affected with TTN-related conditions. Experimental studies and prediction algorithms are not available or were not evaluated, and the functional significance of this variant is currently unknown. This variant is located in the M band of TTN (PMID: 25589632). Non-truncating variants in this region may be relevant for neuromuscular disorders, but have not been definitively shown to cause cardiomyopathy (PMID: 23975875). In summary, the available evidence is currently insufficient to determine the role of this variant in disease. Therefore, it has been classified as a Variant of Uncertain Significance.

Literature cited by the submitters: PubMed 25589632; PubMed 23975875.